The following is an entry in ClinVar:

NC_000005.10:g.112707433G>C

Gene: APC (APC regulator of Wnt signaling pathway; plus strand). Cytogenetic location: 5q22.2.
Variant type: single nucleotide variant.
Genome position: GRCh38 VCF-style: chr5-112707433-G-C. GRCh37 (hg19) VCF-style: chr5-112043130-G-C.
Identifiers: ClinVar variation 2968582 (VCV002968582.3), dbSNP rs550204383, ClinGen allele CA2740094008.

ClinVar aggregate classification (germline): Uncertain significance (1 of 4 stars; one submission).

Conditions:
Familial adenomatous polyposis 1 (FAP1). Also called: FAMILIAL ADENOMATOUS POLYPOSIS 1, ATTENUATED; POLYPOSIS, ADENOMATOUS INTESTINAL. Identifiers: MedGen C2713442, MONDO:0021056, OMIM 175100. Disease mechanism: loss of function.

Submission:

Labcorp Genetics (formerly Invitae), Labcorp
Classification: Uncertain significance for Familial adenomatous polyposis 1. Last evaluated: 2024-10-22. Review status: criteria provided, single submitter. Criteria: Invitae Variant Classification Sherloc (09022015). Collection method: clinical testing. Allele origin: germline.
Comment: This variant occurs in a non-coding region of the APC gene. It does not change the encoded amino acid sequence of the APC protein. This variant is not present in population databases (gnomAD no frequency). This variant has not been reported in the literature in individuals affected with APC-related conditions. Experimental studies and prediction algorithms are not available or were not evaluated, and the functional significance of this variant is currently unknown. In summary, the available evidence is currently insufficient to determine the role of this variant in disease. Therefore, it has been classified as a Variant of Uncertain Significance.